The following is an entry in ClinVar:

ClinVar aggregate classification (germline): Uncertain significance (1 of 4 stars; one submission).

Conditions:
Hereditary pulmonary alveolar proteinosis. Also called: Pulmonary surfactant metabolism dysfunction. Identifiers: Orphanet 264675, MedGen C3711368, MONDO:0012580.

Submission:

Ambry Genetics
Classification: Uncertain significance for Hereditary pulmonary alveolar proteinosis. Last evaluated: 2024-05-01. Review status: criteria provided, single submitter. Criteria: Ambry Variant Classification Scheme 2023. Collection method: clinical testing. Allele origin: germline.
Comment: The p.F353L variant (also known as c.1057T>C), located in coding exon 7 of the ABCA3 gene, results from a T to C substitution at nucleotide position 1057. The phenylalanine at codon 353 is replaced by leucine, an amino acid with highly similar properties. This amino acid position is highly conserved in available vertebrate species. In addition, this alteration is predicted to be deleterious by in silico analysis. Based on the available evidence, the clinical significance of this variant remains unclear.

NM_001089.3(ABCA3):c.1057T>C (p.Phe353Leu)

Gene: ABCA3 (ATP binding cassette subfamily A member 3; minus strand). Cytogenetic location: 16p13.3.
Variant type: single nucleotide variant.
Coding change: c.1057T>C on transcript NM_001089.3 (MANE Select); coding-DNA position 1057, T replaced by C.
Protein change: p.Phe353Leu; replaces phenylalanine 353 with leucine.
Molecular consequence: missense variant.
Genome position (GRCh38, 1-based): chr16:2,317,337, A>G on the plus strand (T>C on the coding strand, the complement: ABCA3 is on the minus strand). VCF-style: chr16-2317337-A-G. GRCh37 (hg19) VCF-style: chr16-2367338-A-G.
Other names: short protein forms F353L.
Identifiers: ClinVar variation 3279473 (VCV003279473.1).